The following is an entry in ClinVar:

NM_025103.4(IFT74):c.986C>G (p.Thr329Arg)

Gene: IFT74 (intraflagellar transport 74; plus strand). Cytogenetic location: 9p21.2.
Variant type: single nucleotide variant.
Coding change: c.986C>G on transcript NM_025103.4 (MANE Select); coding-DNA position 986, C replaced by G.
Protein change: p.Thr329Arg; replaces threonine 329 with arginine.
Molecular consequence: missense variant.
Genome position (GRCh38, 1-based): chr9:27,029,036, C>G. VCF-style: chr9-27029036-C-G. GRCh37 (hg19) VCF-style: chr9-27029034-C-G.
Other names: c.986C>G, p.Thr329Arg (NM_001099222.3, NM_001099223.3, NM_001099224.3 and 1 more transcripts); short protein forms T329R.
Identifiers: ClinVar variation 2125046 (VCV002125046.1), dbSNP rs778863415, ClinGen allele CA5015474.

ClinVar aggregate classification (germline): Uncertain significance (1 of 4 stars; one submission).

Allele frequency attached by ClinVar (database versions not stated): ExAC 0.00001; gnomAD exomes 0.00001; TOPMed 0.00001.
gnomAD v4.1: 9 of 1,596,106 alleles (0.00056%); highest among the groups gnomAD compares: East Asian, 0.009%; no homozygotes.

Submission:

Labcorp Genetics (formerly Invitae), Labcorp
Classification: Uncertain significance. Last evaluated: 2022-08-10. Review status: criteria provided, single submitter. Criteria: Invitae Variant Classification Sherloc (09022015). Collection method: clinical testing. Allele origin: germline.
Comment: This sequence change replaces threonine, which is neutral and polar, with arginine, which is basic and polar, at codon 329 of the IFT74 protein (p.Thr329Arg). This variant is present in population databases (rs778863415, gnomAD 0.03%). This variant has not been reported in the literature in individuals affected with IFT74-related conditions. Algorithms developed to predict the effect of missense changes on protein structure and function are either unavailable or do not agree on the potential impact of this missense change (SIFT: "Deleterious"; PolyPhen-2: "Benign"; Align-GVGD: "Class C0"). In summary, the available evidence is currently insufficient to determine the role of this variant in disease. Therefore, it has been classified as a Variant of Uncertain Significance.